The following is an entry in ClinVar:

NM_014865.4(NCAPD2):c.2761_2777delinsG (p.Phe921fs)

Gene: NCAPD2 (non-SMC condensin I complex subunit D2; plus strand). Cytogenetic location: 12p13.31.
Variant type: Indel.
Coding change: c.2761_2777delinsG on transcript NM_014865.4 (MANE Select); coding-DNA positions 2761 to 2777, TTCCTGTTGATGAACCT replaced by G.
Protein change: p.Phe921fs; shifts the reading frame from phenylalanine 921.
Molecular consequence: frameshift variant.
Genome position (GRCh38, 1-based): chr12:6,526,917-6,526,933, TTCCTGTTGATGAACCT replaced by G. VCF-style: chr12-6526917-TTCCTGTTGATGAACCT-G. GRCh37 (hg19) VCF-style: chr12-6636083-TTCCTGTTGATGAACCT-G.
Other names: short protein forms F921fs.
Identifiers: ClinVar variation 4849449 (VCV004849449.1).
Genomic context (GRCh38, chr12:6,526,917, plus strand): 5'-TCTTTGCCCCACCTTCCCTCTCCCTCTCCTCCAGAGGAGTCCCCCGCAATGCTCCCCACT[TTCCTGTTGATGAACCT>G]GCTGTCCCTGGCTGGGGATGTGGCTCTGCAGCAGCTGGTCCACTTGGAGCAGGCAGTGAG-3'

ClinVar aggregate classification (germline): Likely pathogenic (1 of 4 stars; one submission).

Conditions:
Microcephaly 21, primary, autosomal recessive. Identifiers: MedGen C4693831, MONDO:0054804, OMIM 617983.

Submission:

First Genomix Gene Laboratory, Genetic Diagnostics Department
Classification: Likely pathogenic for Microcephaly 21, primary, autosomal recessive. Last evaluated: 2025-06-16. Review status: criteria provided, single submitter. Criteria: ACMG Guidelines, 2015. Collection method: clinical testing. Allele origin: germline. Inheritance: Autosomal recessive inheritance. Affected: no.